The following is an entry in ClinVar:

NM_000368.5(TSC1):c.2711C>T (p.Thr904Ile)

Gene: TSC1 (TSC complex subunit 1; minus strand). Cytogenetic location: 9q34.13.
Variant type: single nucleotide variant.
Coding change: c.2711C>T on transcript NM_000368.5 (MANE Select); coding-DNA position 2711, C replaced by T.
Protein change: p.Thr904Ile; replaces threonine 904 with isoleucine.
Molecular consequence: missense variant.
Genome position (GRCh38, 1-based): chr9:132,897,525, G>A on the plus strand (C>T on the coding strand, the complement: TSC1 is on the minus strand). VCF-style: chr9-132897525-G-A. GRCh37 (hg19) VCF-style: chr9-135772912-G-A.
Other names: c.2708C>T, p.Thr903Ile (NM_001162426.2); c.2558C>T, p.Thr853Ile (NM_001162427.2); c.2348C>T, p.Thr783Ile (NM_001362177.2); short protein forms T904I, T853I, T903I, T783I.
Identifiers: ClinVar variation 580474 (VCV000580474.8), dbSNP rs1564471932, ClinGen allele CA375369380.

ClinVar aggregate classification (germline): Uncertain significance (1 of 4 stars; one submission).

Conditions:
Tuberous sclerosis 1 (TSC1). Identifiers: Orphanet 805, MedGen C1854465, MONDO:0008612, OMIM 191100.

Submission:

Labcorp Genetics (formerly Invitae), Labcorp
Classification: Uncertain significance for Tuberous sclerosis 1. Last evaluated: 2025-01-17. Review status: criteria provided, single submitter. Criteria: Invitae Variant Classification Sherloc (09022015). Collection method: clinical testing. Allele origin: germline.
Comment: This sequence change replaces threonine, which is neutral and polar, with isoleucine, which is neutral and non-polar, at codon 904 of the TSC1 protein (p.Thr904Ile). This variant is not present in population databases (gnomAD no frequency). This variant has not been reported in the literature in individuals affected with TSC1-related conditions. ClinVar contains an entry for this variant (Variation ID: 580474). Invitae Evidence Modeling of protein sequence and biophysical properties (such as structural, functional, and spatial information, amino acid conservation, physicochemical variation, residue mobility, and thermodynamic stability) indicates that this missense variant is not expected to disrupt TSC1 protein function with a negative predictive value of 95%. In summary, the available evidence is currently insufficient to determine the role of this variant in disease. Therefore, it has been classified as a Variant of Uncertain Significance.